The following is an entry in ClinVar:

ClinVar aggregate classification (germline): Benign/Likely benign. Review status: criteria provided, multiple submitters, no conflicts (2 of 4 stars). 5 submissions from 5 submitters: Benign (2); Likely benign (2). 1 of the submissions does not count toward it. Last evaluated 2026-02-02.

Allele frequency attached by ClinVar (database versions not stated): ESP Exome Variant Server 0.05386; ExAC 0.10473; gnomAD 0.06846 and 0.06611; TOPMed 0.07160; gnomAD exomes 0.07793 and 0.07715; 1000 Genomes Project 30x 0.07964; 1000 Genomes Project 0.08227.
gnomAD v4.1: 122,274 of 1,602,452 alleles (7.6%); highest among the groups gnomAD compares: Middle Eastern, 13%; 5,028 homozygotes.

Submissions (5):

Labcorp Genetics (formerly Invitae), Labcorp
Classification: Benign. Last evaluated: 2026-02-02. Review status: criteria provided, single submitter. Criteria: Invitae Variant Classification Sherloc (09022015). Collection method: clinical testing. Allele origin: germline.

GeneDx
Classification: Benign. Last evaluated: 2015-12-04. Review status: criteria provided, single submitter. Criteria: GeneDx Variant Classification (06012015). Collection method: clinical testing. Allele origin: germline. Affected: yes.
Comment: This variant is considered likely benign or benign based on one or more of the following criteria: it is a conservative change, it occurs at a poorly conserved position in the protein, it is predicted to be benign by multiple in silico algorithms, and/or has population frequency not consistent with disease.

Genetic Services Laboratory, University of Chicago
Classification: Likely benign. Last evaluated: 2013-10-31. Review status: criteria provided, single submitter. Criteria: ACMG Guidelines, 2007. Collection method: clinical testing. Allele origin: germline. Inheritance: Autosomal recessive inheritance.
Comment: Likely benign based on allele frequency in 1000 Genomes Project or ESP global frequency and its presence in a patient with a rare or unrelated disease phenotype. NOT Sanger confirmed

Breakthrough Genomics
Classification: Likely benign. Review status: criteria provided, single submitter. Criteria: ACMG Guidelines, 2015. Collection method: not provided. Allele origin: germline. Inheritance: Autosomal recessive inheritance. Affected: yes.

Mayo Clinic Laboratories, Mayo Clinic
Classification: Benign. Last evaluated: 2016-03-02. Review status: no assertion criteria provided. Collection method: clinical testing. Allele origin: unknown. Not counted in ClinVar's aggregate classification.

NM_005984.5(SLC25A1):c.279T>C (p.Gly93=)

Gene: SLC25A1 (solute carrier family 25 member 1; minus strand). Cytogenetic location: 22q11.21.
Variant type: single nucleotide variant.
Coding change: c.279T>C on transcript NM_005984.5 (MANE Select); coding-DNA position 279, T replaced by C.
Protein change: p.Gly93=; no amino-acid change (glycine 93 retained).
Molecular consequence: synonymous variant. On other transcripts: 5 prime UTR variant (1), non-coding transcript variant (1).
Genome position (GRCh38, 1-based): chr22:19,177,965, A>G on the plus strand (T>C on the coding strand, the complement: SLC25A1 is on the minus strand). VCF-style: chr22-19177965-A-G. GRCh37 (hg19) VCF-style: chr22-19165478-A-G.
Other names: c.300T>C, p.Gly100= (NM_001256534.2); c.-31T>C (NM_001287387.2).
Identifiers: ClinVar variation 159908 (VCV000159908.19), dbSNP rs2070255, ClinGen allele CA173463.